The following is an entry in ClinVar:

ClinVar aggregate classification (germline): Uncertain significance (1 of 4 stars; one submission).

Conditions:
Usher syndrome type 3B. Also called: USHER SYNDROME, TYPE IIIB. Identifiers: MedGen C3281066, MONDO:0013788, OMIM 614504.

Submission:

Labcorp Genetics (formerly Invitae), Labcorp
Classification: Uncertain significance for Usher syndrome type 3B. Last evaluated: 2021-12-08. Review status: criteria provided, single submitter. Criteria: Invitae Variant Classification Sherloc (09022015). Collection method: clinical testing. Allele origin: germline.
Comment: In summary, the available evidence is currently insufficient to determine the role of this variant in disease. Therefore, it has been classified as a Variant of Uncertain Significance. This variant has not been reported in the literature in individuals affected with HARS-related conditions. This variant is not present in population databases (gnomAD no frequency). This sequence change creates a premature translational stop signal (p.Pro378Hisfs*20) in the HARS gene. It is expected to result in an absent or disrupted protein product. However, the current clinical and genetic evidence is not sufficient to establish whether loss-of-function variants in HARS cause disease.

NM_002109.6(HARS1):c.1131del (p.Pro378fs)

Gene: HARS1 (histidyl-tRNA synthetase 1; minus strand). Cytogenetic location: 5q31.3.
Variant type: Deletion.
Coding change: c.1131del on transcript NM_002109.6 (MANE Select); coding-DNA position 1131, one base deleted (G; older notation c.1131delG).
Protein change: p.Pro378fs; shifts the reading frame from proline 378.
Molecular consequence: frameshift variant.
Genome position (GRCh38, 1-based): chr5:140,676,717, C deleted on the plus strand (G on the coding strand, the reverse complement: HARS1 is on the minus strand). VCF-style (leftmost placement, unchanged base first): chr5-140676716-GC-G. GRCh37 (hg19) VCF-style: chr5-140056301-GC-G.
Other names: c.1011del, p.Pro338fs (NM_001258040.3); c.1071del, p.Pro358fs (NM_001258041.3); c.951del, p.Pro318fs (NM_001258042.3); c.909del, p.Pro304fs (NM_001289092.2); c.789del, p.Pro264fs (NM_001289093.2); c.1044del, p.Pro349fs (NM_001289094.2); short protein forms P264fs, P304fs, P318fs, P338fs, P349fs, P358fs, P378fs.
Identifiers: ClinVar variation 1680303 (VCV001680303.6), dbSNP rs2149822729, ClinGen allele CA2573139041.